The following is an entry in ClinVar:

NM_001042492.3(NF1):c.4506dup (p.Asn1503fs)

Gene: NF1 (neurofibromin 1; plus strand). Cytogenetic location: 17q11.2.
Variant type: Duplication.
Coding change: c.4506dup on transcript NM_001042492.3 (MANE Select); coding-DNA position 4506, one base duplicated (C; older notation c.4506dupC).
Protein change: p.Asn1503fs; shifts the reading frame from asparagine 1503.
Molecular consequence: frameshift variant.
Genome position (GRCh38, 1-based): chr17:31,260,444, C duplicated. VCF-style (leftmost placement, unchanged base first): chr17-31260443-G-GC. GRCh37 (hg19) VCF-style: chr17-29587461-G-GC.
Other names: c.4443dupC (NM_000267.3); c.4443dup, p.Asn1482Glnfs (NM_000267.4); short protein forms N1503fs, N1482fs.
Identifiers: ClinVar variation 1740639 (VCV001740639.2), dbSNP rs2508421404, ClinGen allele CA2580093249.

ClinVar aggregate classification (germline): Pathogenic (1 of 4 stars; one submission).

Conditions:
Cardiovascular phenotype. Identifiers: MedGen CN230736.
Hereditary cancer-predisposing syndrome. Also called: Hereditary Cancer Syndrome; Hereditary neoplastic syndrome; Neoplastic Syndromes, Hereditary; Tumor predisposition. Identifiers: Orphanet 140162, MedGen C0027672, MeSH D009386, MONDO:0015356.

Submission:

Ambry Genetics
Classification: Pathogenic for Cardiovascular phenotype; Hereditary cancer-predisposing syndrome. Last evaluated: 2021-06-11. Review status: criteria provided, single submitter. Criteria: Ambry Variant Classification Scheme 2023. Collection method: clinical testing. Allele origin: germline.
Comment: The c.4443dupC variant, located in coding exon 33 of the NF1 gene, results from a duplication of C at nucleotide position 4443, causing a translational frameshift with a predicted alternate stop codon (p.N1482Qfs*27). This alteration is expected to result in loss of function by premature protein truncation or nonsense-mediated mRNA decay. As such, this alteration is interpreted as a disease-causing mutation.